The following is an entry in ClinVar:

ClinVar aggregate classification (germline): Uncertain significance. Review status: criteria provided, single submitter (1 of 4 stars). 2 submissions from 1 submitter: Uncertain significance (1). 1 of the submissions does not count toward it. Last evaluated 2022-12-17.

Conditions:
Dyskeratosis congenita, X-linked (DKCX). Also called: Zinsser-Cole-Engman Syndrome. Identifiers: MedGen C1148551, MONDO:0010584, OMIM 305000.

Submissions (2):

Dubai Health Genomic Medicine Center, Dubai Health
Classification: Uncertain significance. Last evaluated: 2022-12-17. Review status: criteria provided, single submitter. Criteria: ACMG Guidelines, 2015. Collection method: clinical testing. Allele origin: germline. Affected: yes.

Dubai Health Genomic Medicine Center, Dubai Health
Classification: Uncertain significance for Dyskeratosis congenita, X-linked. Last evaluated: 2021-02-15. Review status: flagged submission. Criteria: ACMG Guidelines, 2015. Collection method: clinical testing. Allele origin: germline. Affected: yes. Not counted in ClinVar's aggregate classification.
Comment: The p.Lys478del variant in DKC1 has not been previously reported in individuals with disease and was absent from large population studies such as the Genome Aggregation Database (gnomAD) and the Greater Middle East (GME) variome database. This variant causes an in-frame deletion of a relatively conserved amino acid residue (Lys) at position 478. However the impact of this deletion on protein folding and function is not known. In summary additional information is needed to fully assess the clinical significance of this variant.
ClinVar note: Reason: This record appears to be redundant with a more recent record from the same submitter.
ClinVar note: Notes: SCV001984194 appears to be redundant with SCV002774985.

NM_001363.5(DKC1):c.1429AAG[1] (p.Lys478del)

Gene: DKC1 (dyskerin pseudouridine synthase 1; plus strand). Cytogenetic location: Xq28.
Variant type: Microsatellite.
Coding change: c.1429AAG[1] on transcript NM_001363.5 (MANE Select); one copy of the 3-base unit AAG starting at c.1429; the reference has two copies in a row; one copy, 3 bases deleted.
Protein change: p.Lys478del; deletes lysine 478.
Molecular consequence: inframe deletion. On other transcripts: 3 prime UTR variant (1), non-coding transcript variant (3).
Genome position (GRCh38, 1-based): chrX:154,776,280-154,776,282, AAG deleted; deleting any 3 consecutive bases within chrX:154,776,277-154,776,282 gives the same sequence; the position shown is the placement nearest the transcript's 3' end. VCF-style (leftmost placement, unchanged base first): chrX-154776276-CAAG-C. GRCh37 (hg19) VCF-style: chrX-154004551-CAAG-C.
Other names: c.1432_1434delAAG (NM_001363.5); c.1414AAG[1], p.Lys473del (NM_001142463.3); c.*655AAG[1] (NM_001288747.2); short protein forms K473del, K478del.
Identifiers: ClinVar variation 1301618 (VCV001301618.3), dbSNP rs2148517599, ClinGen allele CA2580612535.